The following is an entry in ClinVar:

NM_007294.4(BRCA1):c.2861T>A (p.Leu954Gln)

Gene: BRCA1 (BRCA1 DNA repair associated; minus strand). Cytogenetic location: 17q21.31.
Variant type: single nucleotide variant.
Coding change: c.2861T>A on transcript NM_007294.4 (MANE Select); coding-DNA position 2861, T replaced by A.
Protein change: p.Leu954Gln; replaces leucine 954 with glutamine.
Molecular consequence: missense variant. On other transcripts: intron variant (137).
Genome position (GRCh38, 1-based): chr17:43,092,670, A>T on the plus strand (T>A on the coding strand, the complement: BRCA1 is on the minus strand). VCF-style: chr17-43092670-A-T. GRCh37 (hg19) VCF-style: chr17-41244687-A-T.
Other names: c.2648T>A, p.Leu883Gln (NM_001407571.1, NM_001407853.1, NM_001407894.1 and 9 more transcripts); c.2861T>A, p.Leu954Gln (NM_001407581.1, NM_001407582.1, NM_001407583.1 and 30 more transcripts); c.2858T>A, p.Leu953Gln (NM_001407587.1, NM_001407590.1, NM_001407591.1 and 22 more transcripts); c.2852T>A, p.Leu951Gln (NM_001407646.1, NM_001407647.1); c.2738T>A, p.Leu913Gln (NM_001407648.1, NM_001407664.1, NM_001407665.1 and 19 more transcripts); c.2735T>A, p.Leu912Gln (NM_001407649.1, NM_001407670.1, NM_001407671.1 and 11 more transcripts); c.2783T>A, p.Leu928Gln (NM_001407653.1, NM_001407654.1, NM_001407655.1 and 4 more transcripts); c.2780T>A, p.Leu927Gln (NM_001407659.1, NM_001407660.1, NM_001407661.1 and 1 more transcripts); and 41 more; short protein forms L883Q, L951Q, L953Q, L658Q, L786Q, L826Q, L827Q, L884Q.
Identifiers: ClinVar variation 1796968 (VCV001796968.4), dbSNP rs2154355783, ClinGen allele CA10596263.

ClinVar aggregate classification (germline): Likely benign. Review status: criteria provided, multiple submitters, no conflicts (2 of 4 stars). 2 submissions from 2 submitters: Likely benign (2). Last evaluated 2023-03-23.

Conditions:
Hereditary cancer-predisposing syndrome. Also called: Tumor predisposition; Hereditary Cancer Syndrome; Neoplastic Syndromes, Hereditary; Hereditary neoplastic syndrome. Identifiers: Orphanet 140162, MedGen C0027672, MeSH D009386, MONDO:0015356.

Submissions (2):

University of Washington Department of Laboratory Medicine, University of Washington
Classification: Likely benign for Hereditary cancer-predisposing syndrome. Last evaluated: 2023-03-23. Review status: criteria provided, single submitter. Criteria: Dines et al. (Genet Med. 2020). Collection method: curation. Allele origin: germline.
Comment: Missense variant in a coldspot region where missense variants are very unlikely to be pathogenic (PMID:31911673).

BRCA1 coldspot (exon 11 using historical exon numbering). Reclassification based on statistical prior probability

Ambry Genetics
Classification: Likely benign for Hereditary cancer-predisposing syndrome. Last evaluated: 2021-08-26. Review status: criteria provided, single submitter. Criteria: Ambry Variant Classification Scheme 2023. Collection method: clinical testing. Allele origin: germline.